The following is an entry in ClinVar:

ClinVar aggregate classification (germline): Likely pathogenic. Review status: criteria provided, multiple submitters, no conflicts (2 of 4 stars). 3 submissions from 3 submitters: Likely pathogenic (2). 1 of the submissions does not count toward it. Last evaluated 2021-04-01.

Conditions:
Neurodevelopmental disorder with language impairment and behavioral abnormalities. Also called: GRIA2-related neurodevelopmental disorder. Identifiers: MedGen C5394502, MONDO:0030060, OMIM 618917.

Submissions (3):

SIB Swiss Institute of Bioinformatics
Classification: Likely pathogenic for Neurodevelopmental disorder with language impairment and behavioral abnormalities. Last evaluated: 2021-04-01. Review status: criteria provided, single submitter. Criteria: ACMG Guidelines, 2015. Collection method: curation. Allele origin: unknown.
Comment: This variant is interpreted as likely pathogenic for Neurodevelopmental disorder with language impairment and behavioral abnormalities, autosomal dominant. The following ACMG Tag(s) were applied: Absent from controls (or at extremely low frequency if recessive) in Exome Sequencing Project, 1000 Genomes Project, or Exome Aggregation Consortium (PM2); De novo (paternity and maternity confirmed) (PS2 downgraded to moderate); Missense variant in a gene that has a low rate of benign missense variation and in which missense variants are a common mechanism of disease (PP2); Multiple lines of computational evidence support a deleterious effect on the gene or gene product (PP3); Well-established functional studies show a deleterious effect (PS3 downgraded to supporting).

Mendelics
Classification: Likely pathogenic. Last evaluated: 2019-05-28. Review status: criteria provided, single submitter. Criteria: Mendelics Assertion Criteria 2017. Collection method: clinical testing. Allele origin: unknown.

OMIM
Classification: Pathogenic for NEURODEVELOPMENTAL DISORDER WITH LANGUAGE IMPAIRMENT AND BEHAVIORAL ABNORMALITIES. Last evaluated: 2020-06-25. Review status: no assertion criteria provided. Collection method: literature only. Allele origin: germline. Not counted in ClinVar's aggregate classification.

Literature cited by the submitters: PubMed 31300657 (cited by SIB Swiss Institute of Bioinformatics and OMIM).

NM_001083619.3(GRIA2):c.1915G>T (p.Ala639Ser)

Gene: GRIA2 (glutamate ionotropic receptor AMPA type subunit 2; plus strand). Cytogenetic location: 4q32.1.
Variant type: single nucleotide variant.
Coding change: c.1915G>T on transcript NM_001083619.3 (MANE Select); coding-DNA position 1915, G replaced by T.
Protein change: p.Ala639Ser; replaces alanine 639 with serine.
Molecular consequence: missense variant.
Genome position (GRCh38, 1-based): chr4:157,341,334, G>T. VCF-style: chr4-157341334-G-T. GRCh37 (hg19) VCF-style: chr4-158262486-G-T.
Other names: N639S; c.1915G>T, p.Ala639Ser (NM_000826.6); c.1774G>T, p.Ala592Ser (NM_001083620.3, NM_001379000.3, NM_001379001.3); short protein forms A592S, A639S.
Identifiers: ClinVar variation 801356 (VCV000801356.3), dbSNP rs1579377564, ClinGen allele CA358648895.